The following is an entry in ClinVar:

ClinVar aggregate classification (germline): Uncertain significance (1 of 4 stars; one submission).

Conditions:
Multiple endocrine neoplasia, type 1 (MEN1). Also called: Endocrine adenomatosis multiple; MEN 1; MEA I; MEN I; WERMER SYNDROME. Identifiers: Orphanet 652, MedGen C0025267, MeSH D018761, MONDO:0007540, OMIM 131100.

Submission:

Labcorp Genetics (formerly Invitae), Labcorp
Classification: Uncertain significance for Multiple endocrine neoplasia, type 1. Last evaluated: 2022-01-18. Review status: criteria provided, single submitter. Criteria: Invitae Variant Classification Sherloc (09022015). Collection method: clinical testing. Allele origin: germline.
Comment: In summary, the available evidence is currently insufficient to determine the role of this variant in disease. Therefore, it has been classified as a Variant of Uncertain Significance. Experimental studies and prediction algorithms are not available or were not evaluated, and the functional significance of this variant is currently unknown. This variant has not been reported in the literature in individuals affected with MEN1-related conditions. This variant is not present in population databases (gnomAD no frequency). This variant, c.162_173del, results in the deletion of 4 amino acid(s) of the MEN1 protein (p.Thr56_Pro59del), but otherwise preserves the integrity of the reading frame.

NM_001370259.2(MEN1):c.162_173del (p.Thr56_Pro59del)

Gene: MEN1 (menin 1; minus strand). Cytogenetic location: 11q13.1.
Variant type: Deletion.
Coding change: c.162_173del on transcript NM_001370259.2 (MANE Select); coding-DNA positions 162 to 173, 12 bases deleted (CCCTACCAACGT).
Protein change: p.Thr56_Pro59del.
Molecular consequence: inframe deletion. On other transcripts: inframe indel (11).
Genome position (GRCh38, 1-based): chr11:64,809,937-64,809,948, ACGTTGGTAGGG deleted on the plus strand (CCCTACCAACGT on the coding strand, the reverse complement: MEN1 is on the minus strand); deleting any 12 consecutive bases within chr11:64,809,937-64,809,949 gives the same sequence; the c. name uses the placement nearest the transcript's 3' end. VCF-style (leftmost placement, unchanged base first): chr11-64809936-AACGTTGGTAGGG-A. GRCh37 (hg19) VCF-style: chr11-64577408-AACGTTGGTAGGG-A.
Other names: c.162_173del, p.Thr56_Pro59del (NM_000244.4, NM_001370251.2, NM_001370260.2 and 9 more transcripts); c.161_172delTCCCTACCAACG, p.Thr56_Pro59del (NM_001407142.1, NM_001407143.1, NM_001407144.1 and 8 more transcripts).
Identifiers: ClinVar variation 2087493 (VCV002087493.4), dbSNP rs2497279846, ClinGen allele CA2580084443.